The following is an entry in ClinVar:

NM_145199.3(LIPT1):c.109A>G (p.Ile37Val)

Genes: LIPT1 (lipoyltransferase 1; plus strand), MITD1 (microtubule interacting and trafficking domain containing 1; minus strand). Cytogenetic location: 2q11.2.
Variant type: single nucleotide variant.
Coding change: c.109A>G on transcript NM_145199.3 (MANE Select); coding-DNA position 109, A replaced by G.
Protein change: p.Ile37Val; replaces isoleucine 37 with valine.
Molecular consequence: missense variant. On other transcripts: non-coding transcript variant (2).
Genome position (GRCh38, 1-based): chr2:99,162,066, A>G. VCF-style: chr2-99162066-A-G. GRCh37 (hg19) VCF-style: chr2-99778529-A-G.
Other names: c.109A>G (NM_145199.2); c.109A>G, p.Ile37Val (NM_001204830.2, NM_015929.4, NM_145197.3 and 1 more transcripts); short protein forms I37V.
Identifiers: ClinVar variation 2697816 (VCV002697816.3), dbSNP rs151267116, ClinGen allele CA1797278.

ClinVar aggregate classification (germline): Uncertain significance. Review status: criteria provided, multiple submitters, no conflicts (2 of 4 stars). 2 submissions from 2 submitters: Uncertain significance (2). Last evaluated 2026-06-11.

Allele frequency attached by ClinVar (database versions not stated): ExAC 0.00010; gnomAD 0.00040; ESP Exome Variant Server 0.00054; gnomAD exomes 0.00009; 1000 Genomes Project 30x 0.00016; 1000 Genomes Project 0.00020; TOPMed 0.00040.
gnomAD v4.1: 196 of 1,614,140 alleles (0.012%); highest among the groups gnomAD compares: African/African-American, 0.13%; no homozygotes.

Submissions (2):

GeneDx
Classification: Uncertain significance. Last evaluated: 2026-06-11. Review status: criteria provided, single submitter. Criteria: GeneDx Variant Classification Process June 2021. Collection method: clinical testing. Allele origin: germline.
Comment: In silico analysis suggests that this missense variant does not alter protein structure/function; Has not been previously published as pathogenic or benign to our knowledge

Labcorp Genetics (formerly Invitae), Labcorp
Classification: Uncertain significance. Last evaluated: 2022-11-11. Review status: criteria provided, single submitter. Criteria: Invitae Variant Classification Sherloc (09022015). Collection method: clinical testing. Allele origin: germline.
Comment: In summary, the available evidence is currently insufficient to determine the role of this variant in disease. Therefore, it has been classified as a Variant of Uncertain Significance. Advanced modeling of protein sequence and biophysical properties (such as structural, functional, and spatial information, amino acid conservation, physicochemical variation, residue mobility, and thermodynamic stability) performed at Invitae indicates that this missense variant is not expected to disrupt LIPT1 protein function. This variant has not been reported in the literature in individuals affected with LIPT1-related conditions. This variant is present in population databases (rs151267116, gnomAD 0.1%). This sequence change replaces isoleucine, which is neutral and non-polar, with valine, which is neutral and non-polar, at codon 37 of the LIPT1 protein (p.Ile37Val).